The following is an entry in ClinVar:

NM_022124.6(CDH23):c.1778A>C (p.Asn593Thr)

Gene: CDH23 (cadherin related 23; plus strand). Cytogenetic location: 10q22.1.
Variant type: single nucleotide variant.
Coding change: c.1778A>C on transcript NM_022124.6 (MANE Select); coding-DNA position 1778, A replaced by C.
Protein change: p.Asn593Thr; replaces asparagine 593 with threonine.
Molecular consequence: missense variant.
Genome position (GRCh38, 1-based): chr10:71,679,412, A>C. VCF-style: chr10-71679412-A-C. GRCh37 (hg19) VCF-style: chr10-73439169-A-C.
Other names: c.1778A>C, p.Asn593Thr (NM_001171930.2, NM_001171931.2); short protein forms N593T.
Identifiers: ClinVar variation 300409 (VCV000300409.13), dbSNP rs756958499, ClinGen allele CA5543963.

ClinVar aggregate classification (germline): Uncertain significance. Review status: criteria provided, multiple submitters, no conflicts (2 of 4 stars). 7 submissions from 6 submitters: Uncertain significance (7). Last evaluated 2026-02-03.

Conditions:
Inborn genetic diseases. Identifiers: MedGen C0950123, MeSH D030342.
Autosomal recessive nonsyndromic hearing loss 12. Also called: DEAFNESS, AUTOSOMAL RECESSIVE 12. Identifiers: Orphanet 90636, MedGen C1832394, MONDO:0011067, OMIM 601386.
Usher syndrome type 1D (USH1D). Also called: USHER SYNDROME, TYPE ID. Identifiers: Orphanet 231169, Orphanet 886, MedGen C1832845, MONDO:0010984, OMIM 601067.

Allele frequency attached by ClinVar (database versions not stated): ExAC 0.00002; gnomAD exomes 0.00002 and 0.00004; gnomAD 0.00006; TOPMed 0.00007.
gnomAD v4.1: 66 of 1,613,632 alleles (0.0041%); highest among the groups gnomAD compares: Admixed American, 0.0083%; no homozygotes.

Submissions (7):

GeneDx
Classification: Uncertain significance. Last evaluated: 2026-02-03. Review status: criteria provided, single submitter. Criteria: GeneDx Variant Classification Process June 2021. Collection method: clinical testing. Allele origin: germline. Affected: yes.
Comment: Not observed at significant frequency in large population cohorts (gnomAD); In silico analysis supports that this missense variant has a deleterious effect on protein structure/function; Has not been previously published as pathogenic or benign to our knowledge

Ambry Genetics
Classification: Uncertain significance for Inborn genetic diseases. Last evaluated: 2024-12-23. Review status: criteria provided, single submitter. Criteria: Ambry Variant Classification Scheme 2023. Collection method: clinical testing. Allele origin: germline.

Blueprint Genetics
Classification: Uncertain significance. Last evaluated: 2023-12-29. Review status: criteria provided, single submitter. Criteria: ACMG Guidelines, 2015. Collection method: clinical testing. Allele origin: germline.

Department of Pathology and Laboratory Medicine, Sinai Health System
Classification: Uncertain significance for Usher syndrome type 1D. Last evaluated: 2023-02-06. Review status: criteria provided, single submitter. Criteria: ACMG Guidelines, 2015. Collection method: research. Allele origin: germline.

Labcorp Genetics (formerly Invitae), Labcorp
Classification: Uncertain significance. Last evaluated: 2022-08-31. Review status: criteria provided, single submitter. Criteria: Invitae Variant Classification Sherloc (09022015). Collection method: clinical testing. Allele origin: germline.
Comment: This sequence change replaces asparagine, which is neutral and polar, with threonine, which is neutral and polar, at codon 593 of the CDH23 protein (p.Asn593Thr). This variant is present in population databases (rs756958499, gnomAD 0.004%). This variant has not been reported in the literature in individuals affected with CDH23-related conditions. ClinVar contains an entry for this variant (Variation ID: 300409). Algorithms developed to predict the effect of missense changes on protein structure and function are either unavailable or do not agree on the potential impact of this missense change (SIFT: "Deleterious"; PolyPhen-2: "Not Available"; Align-GVGD: "Class C55"). In summary, the available evidence is currently insufficient to determine the role of this variant in disease. Therefore, it has been classified as a Variant of Uncertain Significance.

Illumina Laboratory Services, Illumina
Classification: Uncertain significance for Usher syndrome type 1D. Last evaluated: 2018-01-13. Review status: criteria provided, single submitter. Criteria: ICSL Variant Classification Criteria 13 December 2019. Collection method: clinical testing. Allele origin: germline.

Illumina Laboratory Services, Illumina
Classification: Uncertain significance for Autosomal recessive nonsyndromic hearing loss 12. Last evaluated: 2018-01-13. Review status: criteria provided, single submitter. Criteria: ICSL Variant Classification Criteria 13 December 2019. Collection method: clinical testing. Allele origin: germline.